The following is an entry in ClinVar:

NC_000005.9:g.(?_42695125)_(42722744_?)del

Gene: GHR (growth hormone receptor; plus strand). Cytogenetic location: 5p12.
Variant type: Deletion.
Identifiers: ClinVar variation 3246443 (VCV003246443.1).

ClinVar aggregate classification (germline): Pathogenic (1 of 4 stars; one submission).

Submission:

Labcorp Genetics (formerly Invitae), Labcorp
Classification: Pathogenic. Last evaluated: 2023-12-27. Review status: criteria provided, single submitter. Criteria: Invitae Variant Classification Sherloc (09022015). Collection method: clinical testing. Allele origin: unknown.
Comment: This variant results in the deletion of exons 6-10 and part of exon 5 (c.373_*3218del) of the GHR gene. While this deletion is not anticipated to lead to nonsense mediated decay, it is expected to alter mRNA translation or result in a truncated protein product. This variant has not been reported in the literature in individuals affected with GHR-related conditions. This variant disrupts a region of the GHR protein in which other variant(s) (p.Arg578Serfs*23) have been determined to be pathogenic (PMID: 15536163). This suggests that this is a clinically significant region of the protein, and that variants that disrupt it are likely to be disease-causing. For these reasons, this variant has been classified as Pathogenic.

Literature cited by the submitters: PubMed 15536163.